The following is an entry in ClinVar:

ClinVar aggregate classification (germline): Uncertain significance (1 of 4 stars; one submission).

Submission:

Labcorp Genetics (formerly Invitae), Labcorp
Classification: Uncertain significance. Last evaluated: 2022-10-16. Review status: criteria provided, single submitter. Criteria: Invitae Variant Classification Sherloc (09022015). Collection method: clinical testing. Allele origin: germline.
Comment: Algorithms developed to predict the effect of missense changes on protein structure and function are either unavailable or do not agree on the potential impact of this missense change (SIFT: "Deleterious"; PolyPhen-2: "Benign"; Align-GVGD: "Class C0"). This variant has not been reported in the literature in individuals affected with TNNI3K-related conditions. This variant is not present in population databases (gnomAD no frequency). This sequence change replaces leucine, which is neutral and non-polar, with valine, which is neutral and non-polar, at codon 793 of the TNNI3K protein (p.Leu793Val). In summary, the available evidence is currently insufficient to determine the role of this variant in disease. Therefore, it has been classified as a Variant of Uncertain Significance.

NM_015978.3(TNNI3K):c.2377C>G (p.Leu793Val)

Genes: FPGT-TNNI3K (FPGT-TNNI3K readthrough; plus strand), TNNI3K (TNNI3 interacting kinase; plus strand). Cytogenetic location: 1p31.1.
Variant type: single nucleotide variant.
Coding change: c.2377C>G on transcript NM_015978.3 (MANE Select); coding-DNA position 2377, C replaced by G.
Protein change: p.Leu793Val; replaces leucine 793 with valine.
Molecular consequence: missense variant.
Genome position (GRCh38, 1-based): chr1:74,540,259, C>G. VCF-style: chr1-74540259-C-G. GRCh37 (hg19) VCF-style: chr1-75005943-C-G.
Other names: c.2680C>G, p.Leu894Val (NM_001112808.3); short protein forms L793V, L894V.
Identifiers: ClinVar variation 1721715 (VCV001721715.5), dbSNP rs769810466, ClinGen allele CA340799157.
Genomic context (GRCh38, chr1:74,540,259, plus strand): 5'-CCATACTGTGAAACTGTGTTTTATTAATTTTCCAGTGCTGGACAATATTCCTCTCAAGGT[C>G]TGTCTTTGGAGGAGATGAAAAGAAGTCTTCAATACACACCCATTGACAAATATGGTAAGT-3'
Protein context (NP_057062.1, residues 783-803): QSAGQYSSQG[Leu793Val]SLEEMKRSLQ